The following is an entry in ClinVar:

ClinVar aggregate classification (germline): Uncertain significance. Review status: criteria provided, multiple submitters, no conflicts (2 of 4 stars). 2 submissions from 2 submitters: Uncertain significance (2). Last evaluated 2024-02-14.

Allele frequency attached by ClinVar (database versions not stated): gnomAD exomes 0.00001; TOPMed 0.00002; gnomAD 0.00003 and 0.00004.
gnomAD v4.1: 13 of 1,291,328 alleles (0.001%); highest among the groups gnomAD compares: South Asian, 0.0074%; no homozygotes.

Submissions (2):

Labcorp Genetics (formerly Invitae), Labcorp
Classification: Uncertain significance. Last evaluated: 2024-02-14. Review status: criteria provided, single submitter. Criteria: Invitae Variant Classification Sherloc (09022015). Collection method: clinical testing. Allele origin: germline.
Comment: This sequence change replaces lysine, which is basic and polar, with glutamic acid, which is acidic and polar, at codon 970 of the ERCC6L2 protein (p.Lys970Glu). This variant is present in population databases (no rsID available, gnomAD 0.01%). This variant has not been reported in the literature in individuals affected with ERCC6L2-related conditions. ClinVar contains an entry for this variant (Variation ID: 1513204). Experimental studies and prediction algorithms are not available or were not evaluated, and the functional significance of this variant is currently unknown. In summary, the available evidence is currently insufficient to determine the role of this variant in disease. Therefore, it has been classified as a Variant of Uncertain Significance.

Breakthrough Genomics
Classification: Uncertain significance. Review status: criteria provided, single submitter. Criteria: ACMG Guidelines, 2015. Collection method: not provided. Allele origin: germline. Inheritance: Autosomal recessive inheritance. Affected: yes.

NM_020207.7(ERCC6L2):c.2875A>G (p.Lys959Glu)

Gene: ERCC6L2 (ERCC excision repair 6 like 2; plus strand). Cytogenetic location: 9q22.32.
Variant type: single nucleotide variant.
Coding change: c.2875A>G on transcript NM_020207.7 (MANE Select); coding-DNA position 2875, A replaced by G.
Protein change: p.Lys959Glu; replaces lysine 959 with glutamic acid.
Molecular consequence: missense variant. On other transcripts: non-coding transcript variant (1).
Genome position (GRCh38, 1-based): chr9:95,972,626, A>G. VCF-style: chr9-95972626-A-G. GRCh37 (hg19) VCF-style: chr9-98734908-A-G.
Other names: c.2875A>G, p.Lys959Glu (NM_001375291.1, NM_001375292.1, NM_001375293.1 and 1 more transcripts); short protein forms K959E.
Identifiers: ClinVar variation 1513204 (VCV001513204.7), dbSNP rs1043811468, ClinGen allele CA196597654.
Genomic context (GRCh38, chr9:95,972,626, plus strand): 5'-ACAAGAAATAATGATAATAGTCGAAACACTGATGACAAAAGAAATGGAATAATTTCAAAA[A>G]AGTTAAGTCCTGAGAACACAACCCTGAAATCTATTTTGAAAAGAAAAGGCACCAGTGATA-3'
Protein context (NP_064592.3, residues 949-969): DDKRNGIISK[Lys959Glu]LSPENTTLKS